The following is an entry in ClinVar:

NM_004333.6(BRAF):c.1783T>C (p.Phe595Leu)

Gene: BRAF (B-Raf proto-oncogene, serine/threonine kinase; minus strand). Cytogenetic location: 7q34.
Variant type: single nucleotide variant.
Coding change: c.1783T>C on transcript NM_004333.6 (MANE Select); coding-DNA position 1783, T replaced by C.
Protein change: p.Phe595Leu; replaces phenylalanine 595 with leucine.
Molecular consequence: missense variant.
Genome position (GRCh38, 1-based): chr7:140,753,352, A>G on the plus strand (T>C on the coding strand, the complement: BRAF is on the minus strand). VCF-style: chr7-140753352-A-G. GRCh37 (hg19) VCF-style: chr7-140453152-A-G.
Other names: c.1783T>C, p.Phe595Leu (NM_001354609.2, NM_001378468.1, NM_001378474.1); c.1903T>C, p.Phe635Leu (NM_001374244.1, NM_001374258.1); c.1792T>C, p.Phe598Leu (NM_001378467.1); c.1717T>C, p.Phe573Leu (NM_001378469.1); c.1681T>C, p.Phe561Leu (NM_001378470.1); c.1672T>C, p.Phe558Leu (NM_001378471.1); c.1627T>C, p.Phe543Leu (NM_001378472.1, NM_001378473.1); c.1519T>C, p.Phe507Leu (NM_001378475.1); short protein forms F595L, F573L, F598L, F543L, F561L, F635L, F507L, F558L.
Identifiers: ClinVar variation 202193 (VCV000202193.15), dbSNP rs794729219, ClinGen allele CA280071.
Genomic context (GRCh38, chr7:140,753,352, plus strand): 5'-CAGACAACTGTTCAAACTGATGGGACCCACTCCATCGAGATTTCACTGTAGCTAGACCAA[A>G]ATCACCTATTTTTACTGTGAGGTCTTCATGAAGAAATATATCTGAGGTGTAGTAAGTAAA-3'
Protein context (NP_004324.2, residues 585-605): HEDLTVKIGD[Phe595Leu]GLATVKSRWS

ClinVar aggregate classification (germline): Pathogenic/Likely pathogenic. Review status: criteria provided, multiple submitters, no conflicts (2 of 4 stars). 7 submissions from 7 submitters: Pathogenic (4); Likely pathogenic (1). 2 of the submissions do not count toward it. Last evaluated 2025-08-19.

Conditions:
Cardio-facio-cutaneous syndrome. Also called: Cardiofaciocutaneous syndrome; CFC syndrome. Identifiers: Orphanet 1340, MedGen C1275081, MONDO:0015280. Disease mechanism: gain of function.
RASopathy. Also called: Noonan spectrum disorder; rasopathies. Identifiers: Orphanet 536391, MedGen C5555857, MONDO:0021060.
Prostate cancer, hereditary, 1 (HPC1). Identifiers: Orphanet 1331, MedGen C4722327, MONDO:0011098, OMIM 601518.
Cardiofaciocutaneous syndrome 1 (CFC1). Also called: BRAF-Related Cardiofaciocutaneous Syndrome. Identifiers: Orphanet 1340, MedGen CN029449, MONDO:0007265, OMIM 115150. Disease mechanism: gain of function.

Submissions (7):

GeneDx
Classification: Pathogenic. Last evaluated: 2025-08-19. Review status: criteria provided, single submitter. Criteria: GeneDx Variant Classification Process June 2021. Collection method: clinical testing. Allele origin: germline. Affected: yes.
Comment: In silico analysis supports that this missense variant has a deleterious effect on protein structure/function; Missense variants in this gene are a common cause of disease and they are underrepresented in the general population; Not observed at significant frequency in large population cohorts (gnomAD); Also known as p.(F594L); This variant is associated with the following publications: (PMID: 22142829, 24803665, 37039257, 33683002, 28856074, 34573299, 31060855, 32913992, 18039235, MelchorL2015[Abstract], 31573083, 33128510, 29533785, 19206169, 20186801, 18042262, 21871821, 22495831, 29084544, 23093928, 35226061, 33198372, 34331515, 36448195, 26826419, 37530550, 26582644, 16439621, 15035987, 24957944, 15488754, 15520807, 17603483, 29493581, 20301365, 34714385, 25463315)

3billion
Classification: Pathogenic for Cardiofaciocutaneous syndrome 1. Last evaluated: 2024-01-30. Review status: criteria provided, single submitter. Criteria: ACMG Guidelines, 2015. Collection method: clinical testing. Allele origin: germline. Affected: yes.
Comment: The variant is not observed in the gnomAD v2.1.1 dataset. Predicted Consequence/Location: The variant is located in a mutational hot spot and/or well-established functional domain in which established pathogenic variants have been reported (PMID: 29493581). Missense changes are a common disease-causing mechanism. In silico tool predictions suggest damaging effect of the variant on gene or gene product [REVEL: 0.96 (>=0.6, sensitivity 0.68 and specificity 0.92); 3Cnet: 0.93 (>=0.6, sensitivity 0.72 and precision 0.9)]. Same nucleotide change resulting in same amino acid change has been previously reported as pathogenic/likely pathogenic with strong evidence (ClinVar ID: VCV000202193 /PMID: 25463315 /3billion dataset). A different missense change at the same codon (p.Phe595Ser) has been reported to be associated with BRAF related disorder (ClinVar ID: VCV000376290). Therefore, this variant is classified as Pathogenic according to the recommendation of ACMG/AMP guideline.

Labcorp Genetics (formerly Invitae), Labcorp
Classification: Pathogenic for RASopathy. Last evaluated: 2023-12-09. Review status: criteria provided, single submitter. Criteria: Invitae Variant Classification Sherloc (09022015). Collection method: clinical testing. Allele origin: germline.
Comment: This sequence change replaces phenylalanine, which is neutral and non-polar, with leucine, which is neutral and non-polar, at codon 595 of the BRAF protein (p.Phe595Leu). This variant is not present in population databases (gnomAD no frequency). This missense change has been observed in individual(s) with cardio-facio-cutaneous (CFC) syndrome (PMID: 16439621, 18042262, 19206169, 20186801, 21871821, 22495831, 23093928, 25463315, 29084544). In at least one individual the variant was observed to be de novo. This variant is also known as F594L. ClinVar contains an entry for this variant (Variation ID: 202193). Advanced modeling performed at Invitae incorporating data from internal and/or published experimental studies (Invitae) indicates that this missense variant is expected to disrupt BRAF function with a positive predictive value of 95%. Experimental studies have shown that this missense change affects BRAF function (PMID: 26582644). For these reasons, this variant has been classified as Pathogenic.

Women's Health and Genetics/Laboratory Corporation of America, LabCorp
Classification: Pathogenic for Cardio-facio-cutaneous syndrome. Last evaluated: 2022-03-31. Review status: criteria provided, single submitter. Criteria: LabCorp Variant Classification Summary - May 2015. Collection method: clinical testing. Allele origin: germline.
Comment: Variant summary: BRAF c.1783T>C (p.Phe595Leu) results in a non-conservative amino acid change located in the Protein kinase domain (IPR000719) of the encoded protein sequence. Five of five in-silico tools predict a damaging effect of the variant on protein function. The variant was absent in 251240 control chromosomes (gnomAD). c.1783T>C has been reported in the literature in individuals affected with Cardiofaciocutaneous Syndrome (Ciara_2015, Matalon_2021), and in one case the de novo occurrence of the variant was confirmed. In addition two equivalent missense variants (c.1785T>A (p.F595L) and c.1785T>G (p.F595L)) have also been reported in patients affected with Cardio-facio-cutaneous syndrome (HGMD). These data indicate that the variant is likely associated with disease. Multiple publications reported experimental evidence evaluating an impact on protein function, and demonstrated that the variant results in low to intermediate Braf kinase activity, which works cooperatively with Ras leading to increased MEK/ERK signaling (Kordes_2016, Yao_2017, Ng_2018). Three clinical diagnostic laboratories have submitted clinical-significance assessments for this variant in the germline state to ClinVar after 2014, and classified the variant as pathogenic/likely pathogenic. Based on the evidence outlined above, the variant was classified as pathogenic.

Center for Human Genetics, Inc
Classification: Likely pathogenic for Cardiofaciocutaneous syndrome 1. Last evaluated: 2016-11-01. Review status: criteria provided, single submitter. Criteria: ACMG Guidelines, 2015. Collection method: clinical testing. Allele origin: germline. Affected: yes.

Mendelics
Classification: Pathogenic for Cardio-facio-cutaneous syndrome. Last evaluated: 2013-11-06. Review status: no assertion criteria provided. Collection method: clinical testing. Allele origin: unknown. Affected: yes. Not counted in ClinVar's aggregate classification.

Laboratory of Virology, Oncology, Biosciences and Environment, Faculty of Sciences and Techniques, Mohammedia- University Hassan II of Casablanca
Classification: Uncertain significance for Prostate cancer, hereditary, 1. Last evaluated: 2022-07-29. Review status: flagged submission. Collection method: clinical testing. Allele origin: germline. Affected: yes. Not counted in ClinVar's aggregate classification.
ClinVar note: Reason: Outlier claim with insufficient supporting evidence

Literature cited by the submitters: PubMed 25463315 (cited by 3 submitters); PubMed 16439621 (cited by Labcorp Genetics (formerly Invitae), Labcorp and Mendelics); PubMed 18042262 (cited by Labcorp Genetics (formerly Invitae), Labcorp and Mendelics); PubMed 19206169 (cited by Labcorp Genetics (formerly Invitae), Labcorp); PubMed 20186801 (cited by Labcorp Genetics (formerly Invitae), Labcorp); PubMed 21871821 (cited by Labcorp Genetics (formerly Invitae), Labcorp); PubMed 22495831 (cited by Labcorp Genetics (formerly Invitae), Labcorp); PubMed 23093928 (cited by Labcorp Genetics (formerly Invitae), Labcorp); PubMed 29084544 (cited by Labcorp Genetics (formerly Invitae), Labcorp); PubMed 26582644 (cited by Labcorp Genetics (formerly Invitae), Labcorp and Women's Health and Genetics/Laboratory Corporation of America, LabCorp); PubMed 15035987 (cited by Women's Health and Genetics/Laboratory Corporation of America, LabCorp); PubMed 29533785 (cited by Women's Health and Genetics/Laboratory Corporation of America, LabCorp); PubMed 33683002 (cited by Women's Health and Genetics/Laboratory Corporation of America, LabCorp); PubMed 20301365 (cited by Mendelics).